The following is an entry in ClinVar:

ClinVar aggregate classification (germline): Uncertain significance (1 of 4 stars; one submission).

Conditions:
Perlman syndrome (PRLMNS). Identifiers: Orphanet 2849, MedGen C0796113, MONDO:0009965, OMIM 267000.

Allele frequency attached by ClinVar (database versions not stated): gnomAD exomes 0.00001.
gnomAD v4.1: 3 of 1,614,206 alleles (0.00019%); highest among the groups gnomAD compares: Non-Finnish European, 0.00025%; no homozygotes.

Submission:

Labcorp Genetics (formerly Invitae), Labcorp
Classification: Uncertain significance for Perlman syndrome. Last evaluated: 2022-10-27. Review status: criteria provided, single submitter. Criteria: Invitae Variant Classification Sherloc (09022015). Collection method: clinical testing. Allele origin: germline.
Comment: This variant has not been reported in the literature in individuals affected with DIS3L2-related conditions. This variant is present in population databases (no rsID available, gnomAD 0.0009%). This sequence change replaces asparagine, which is neutral and polar, with histidine, which is basic and polar, at codon 456 of the DIS3L2 protein (p.Asn456His). Advanced modeling of protein sequence and biophysical properties (such as structural, functional, and spatial information, amino acid conservation, physicochemical variation, residue mobility, and thermodynamic stability) performed at Invitae indicates that this missense variant is not expected to disrupt DIS3L2 protein function. In summary, the available evidence is currently insufficient to determine the role of this variant in disease. Therefore, it has been classified as a Variant of Uncertain Significance.

NM_152383.5(DIS3L2):c.1366A>C (p.Asn456His)

Gene: DIS3L2 (DIS3 like 3'-5' exoribonuclease 2; plus strand). Cytogenetic location: 2q37.1.
Variant type: single nucleotide variant.
Coding change: c.1366A>C on transcript NM_152383.5 (MANE Select); coding-DNA position 1366, A replaced by C.
Protein change: p.Asn456His; replaces asparagine 456 with histidine.
Molecular consequence: missense variant. On other transcripts: non-coding transcript variant (2).
Genome position (GRCh38, 1-based): chr2:232,249,287, A>C. VCF-style: chr2-232249287-A-C. GRCh37 (hg19) VCF-style: chr2-233113997-A-C.
Other names: c.1366A>C, p.Asn456His (NM_001257281.2); short protein forms N456H.
Identifiers: ClinVar variation 2190811 (VCV002190811.4), dbSNP rs1014650775, ClinGen allele CA67523432.